The following is an entry in ClinVar:

NM_001080.3(ALDH5A1):c.97C>T (p.Pro33Ser)

Genes: ALDH5A1 (aldehyde dehydrogenase 5 family member A1; plus strand), GPLD1 (glycosylphosphatidylinositol specific phospholipase D1; minus strand), LOC129995978 (ATAC-STARR-seq lymphoblastoid silent region 16989; plus strand). Cytogenetic location: 6p22.3.
Variant type: single nucleotide variant.
Coding change: c.97C>T on transcript NM_001080.3 (MANE Select); coding-DNA position 97, C replaced by T.
Protein change: p.Pro33Ser; replaces proline 33 with serine.
Molecular consequence: missense variant.
Genome position (GRCh38, 1-based): chr6:24,495,093, C>T. VCF-style: chr6-24495093-C-T. GRCh37 (hg19) VCF-style: chr6-24495321-C-T.
Other names: c.97C>T, p.Pro33Ser (NM_001368954.1, NM_170740.1); short protein forms P33S.
Identifiers: ClinVar variation 2064695 (VCV002064695.4), dbSNP rs1403896838, ClinGen allele CA362968222.

ClinVar aggregate classification (germline): Uncertain significance (1 of 4 stars; one submission).

Conditions:
Succinate-semialdehyde dehydrogenase deficiency (SSADHD). Also called: SSADH DEFICIENCY; 4-HYDROXYBUTYRIC ACIDURIA; GABA METABOLIC DEFECT; Succinic Semialdehyde Dehydrogenase Deficiency. Identifiers: Orphanet 22, MedGen C0268631, MONDO:0010083, OMIM 271980.

Allele frequency attached by ClinVar (database versions not stated): gnomAD exomes below 0.00001.
gnomAD v4.1: 1 of 1,320,458 alleles (0.000076%); highest among the groups gnomAD compares: Admixed American, 0.0035%; no homozygotes.

Submission:

Labcorp Genetics (formerly Invitae), Labcorp
Classification: Uncertain significance for Succinate-semialdehyde dehydrogenase deficiency. Last evaluated: 2022-03-18. Review status: criteria provided, single submitter. Criteria: Invitae Variant Classification Sherloc (09022015). Collection method: clinical testing. Allele origin: germline.
Comment: The frequency data for this variant in the population databases is considered unreliable, as metrics indicate poor data quality at this position in the gnomAD database. This variant has not been reported in the literature in individuals affected with ALDH5A1-related conditions. Advanced modeling of protein sequence and biophysical properties (such as structural, functional, and spatial information, amino acid conservation, physicochemical variation, residue mobility, and thermodynamic stability) performed at Invitae indicates that this missense variant is not expected to disrupt ALDH5A1 protein function. In summary, the available evidence is currently insufficient to determine the role of this variant in disease. Therefore, it has been classified as a Variant of Uncertain Significance. This sequence change replaces proline, which is neutral and non-polar, with serine, which is neutral and polar, at codon 33 of the ALDH5A1 protein (p.Pro33Ser).